The following is an entry in ClinVar:

NM_020937.4(FANCM):c.5899A>G (p.Ser1967Gly)

Gene: FANCM (FA complementation group M; plus strand). Cytogenetic location: 14q21.2.
Variant type: single nucleotide variant.
Coding change: c.5899A>G on transcript NM_020937.4 (MANE Select); coding-DNA position 5899, A replaced by G.
Protein change: p.Ser1967Gly; replaces serine 1967 with glycine.
Molecular consequence: missense variant.
Genome position (GRCh38, 1-based): chr14:45,198,826, A>G. VCF-style: chr14-45198826-A-G. GRCh37 (hg19) VCF-style: chr14-45668029-A-G.
Other names: c.5821A>G, p.Ser1941Gly (NM_001308133.2); short protein forms S1941G, S1967G.
Identifiers: ClinVar variation 4841765 (VCV004841765.1).
Genomic context (GRCh38, chr14:45,198,826, plus strand): 5'-GAACTGTCTTTAGTGGAACAAAGAAAGAATGTTGGTATTCATGTTCCAACAGTGGTGAAT[A>G]GTAATAAAAGTGAGGCACTCCAGTTTTATTTAAGTATTCCCAATATAAGTTATATAACTG-3'
Protein context (NP_065988.1, residues 1957-1977): VGIHVPTVVN[Ser1967Gly]NKSEALQFYL

ClinVar aggregate classification (germline): Uncertain significance (1 of 4 stars; one submission).

Conditions:
Inborn genetic diseases. Identifiers: MedGen C0950123, MeSH D030342.

Submission:

Ambry Genetics
Classification: Uncertain significance for Inborn genetic diseases. Last evaluated: 2026-01-06. Review status: criteria provided, single submitter. Criteria: Ambry Variant Classification Scheme 2023. Collection method: clinical testing. Allele origin: germline.
Comment: The p.S1967G variant (also known as c.5899A>G), located in coding exon 22 of the FANCM gene, results from an A to G substitution at nucleotide position 5899. The serine at codon 1967 is replaced by glycine, an amino acid with similar properties. This amino acid position is conserved. In addition, this alteration is predicted to be tolerated by in silico analysis. Based on the available evidence, the clinical significance of this variant remains unclear.